The following is an entry in ClinVar:

ClinVar aggregate classification (germline): Uncertain significance (1 of 4 stars; one submission).

Conditions:
Muscular dystrophy-dystroglycanopathy (congenital with brain and eye anomalies), type A14. Also called: WALKER-WARBURG SYNDROME OR MUSCLE-EYE-BRAIN DISEASE, GMPPB-RELATED; Muscular dystrophy-dystroglycanopathy (congenital with brain and eye anomalies), type a, 14; Congenital Muscular Dystrophy-Dystroglycanopathy with Brain and Eye Anomalies Type A 14; Congenital muscular dystrophy-dystroglycanopathy with brain and eye anomalies, type A14. Identifiers: Orphanet 588, MedGen C3809216, MONDO:0014140, OMIM 615350.
Muscular dystrophy-dystroglycanopathy (congenital with impaired intellectual development), type B, 14. Also called: MUSCULAR DYSTROPHY, CONGENITAL, GMPPB-RELATED; Muscular dystrophy-dystroglycanopathy (congenital with intellectual disability), type B14; Congenital muscular dystrophy-dystroglycanopathy with mental retardation, type B14. Identifiers: MedGen C3809221, MONDO:0014141, OMIM 615351.
Autosomal recessive limb-girdle muscular dystrophy type 2T. Also called: MUSCULAR DYSTROPHY-DYSTROGLYCANOPATHY, LIMB-GIRDLE, GMPPB-RELATED; MUSCULAR DYSTROPHY, LIMB-GIRDLE, TYPE 2T; Muscular dystrophy-dystroglycanopathy (limb-girdle), type c, 14; Limb-girdle muscular dystrophy-dystroglycanopathy, type C14. Identifiers: Orphanet 363623, MedGen C4518000, MONDO:0014142, OMIM 615352.

gnomAD v4.1: 2 of 1,614,146 alleles (0.00012%); no homozygotes.

Submission:

Labcorp Genetics (formerly Invitae), Labcorp
Classification: Uncertain significance for Autosomal recessive limb-girdle muscular dystrophy type 2T; Muscular dystrophy-dystroglycanopathy (congenital with brain and eye anomalies), type A14; Muscular dystrophy-dystroglycanopathy (congenital with impaired intellectual development), type B, 14. Last evaluated: 2022-06-13. Review status: criteria provided, single submitter. Criteria: Invitae Variant Classification Sherloc (09022015). Collection method: clinical testing. Allele origin: germline.
Comment: In summary, the available evidence is currently insufficient to determine the role of this variant in disease. Therefore, it has been classified as a Variant of Uncertain Significance. Algorithms developed to predict the effect of missense changes on protein structure and function (SIFT, PolyPhen-2, Align-GVGD) all suggest that this variant is likely to be tolerated. ClinVar contains an entry for this variant (Variation ID: 1016033). This variant has not been reported in the literature in individuals affected with GMPPB-related conditions. This variant is not present in population databases (gnomAD no frequency). This sequence change replaces glutamine, which is neutral and polar, with arginine, which is basic and polar, at codon 213 of the GMPPB protein (p.Gln213Arg).

NM_021971.4(GMPPB):c.638A>G (p.Gln213Arg)

Gene: GMPPB (GDP-mannose pyrophosphorylase B; minus strand). Cytogenetic location: 3p21.31.
Variant type: single nucleotide variant.
Coding change: c.638A>G on transcript NM_021971.4 (MANE Select); coding-DNA position 638, A replaced by G.
Protein change: p.Gln213Arg; replaces glutamine 213 with arginine.
Molecular consequence: missense variant.
Genome position (GRCh38, 1-based): chr3:49,722,434, T>C on the plus strand (A>G on the coding strand, the complement: GMPPB is on the minus strand). VCF-style: chr3-49722434-T-C. GRCh37 (hg19) VCF-style: chr3-49759867-T-C.
Other names: c.638A>G, p.Gln213Arg (NM_013334.4); short protein forms Q213R.
Identifiers: ClinVar variation 1016033 (VCV001016033.5), dbSNP rs2080430729, ClinGen allele CA352828357.